The following is an entry in ClinVar:

NM_000135.4(FANCA):c.-2C>G

Genes: FANCA (FA complementation group A; minus strand), LOC112486223 (Sharpr-MPRA regulatory region 3988; plus strand). Cytogenetic location: 16q24.3.
Variant type: single nucleotide variant.
Coding change: c.-2C>G on transcript NM_000135.4 (MANE Select); 2 bases upstream of the start codon, C replaced by G.
Molecular consequence: 5 prime UTR variant.
Genome position (GRCh38, 1-based): chr16:89,816,617, G>C on the plus strand (C>G on the coding strand, the complement: FANCA is on the minus strand). VCF-style: chr16-89816617-G-C. GRCh37 (hg19) VCF-style: chr16-89883025-G-C.
Other names: c.-2C>G (NM_001018112.3, NM_001286167.3, NM_001351830.2).
Identifiers: ClinVar variation 2681900 (VCV002681900.1), dbSNP rs770599933, ClinGen allele CA286612872.

ClinVar aggregate classification (germline): Uncertain significance (1 of 4 stars; one submission).

gnomAD v4.1: 8 of 1,522,752 alleles (0.00053%); highest among the groups gnomAD compares: Admixed American, 0.004%; no homozygotes.

Submission:

Quest Diagnostics Nichols Institute San Juan Capistrano
Classification: Uncertain significance. Last evaluated: 2022-11-02. Review status: criteria provided, single submitter. Criteria: Quest Diagnostics criteria. Collection method: clinical testing. Allele origin: unknown.
Comment: This variant has not been reported in the published literature. It also has not been reported in large, multi-ethnic general populations. Analysis of this variant using software algorithms for the prediction of the effect of nucleotide changes on splicing yielded predictions that this variant does not affect FANCA mRNA splicing . Based on the available information, we are unable to determine the clinical significance of this variant.